The following is an entry in ClinVar:

ClinVar aggregate classification (germline): Pathogenic/Likely pathogenic. Review status: criteria provided, multiple submitters, no conflicts (2 of 4 stars). 5 submissions from 5 submitters: Pathogenic (3); Likely pathogenic (1). 1 of the submissions does not count toward it. Last evaluated 2025-09-05.

Conditions:
Methylmalonic aciduria due to methylmalonyl-CoA mutase deficiency (MAMM). Also called: Methylmalonic aciduria, mut type. Identifiers: Orphanet 27, MedGen C1855114, MONDO:0009612, OMIM 251000.
Methylmalonic acidemia (MMA). Also called: Isolated Methylmalonic Acidemia. Identifiers: MedGen C0268583, MeSH C537358, MONDO:0002012, HP:0002912.

Submissions (5):

Labcorp Genetics (formerly Invitae), Labcorp
Classification: Pathogenic. Last evaluated: 2025-09-05. Review status: criteria provided, single submitter. Criteria: Invitae Variant Classification Sherloc (09022015). Collection method: clinical testing. Allele origin: germline.
Comment: This sequence change affects an acceptor splice site in intron 9 of the MUT gene. It is expected to disrupt RNA splicing. Variants that disrupt the donor or acceptor splice site typically lead to a loss of protein function (PMID: 16199547), and loss-of-function variants in MUT are known to be pathogenic (PMID: 15781192). This variant is not present in population databases (gnomAD no frequency). Disruption of this splice site has been observed in individuals with methylmalonic aciduria (PMID: 15643616). ClinVar contains an entry for this variant (Variation ID: 556968). Algorithms developed to predict the effect of sequence changes on RNA splicing suggest that this variant may disrupt the consensus splice site. For these reasons, this variant has been classified as Pathogenic.

Laboratory of Medical Genetics, National & Kapodistrian University of Athens
Classification: Pathogenic for Methylmalonic aciduria due to methylmalonyl-CoA mutase deficiency. Last evaluated: 2024-02-01. Review status: criteria provided, single submitter. Criteria: ACMG Guidelines, 2015. Collection method: curation. Allele origin: germline. Affected: no.

MGZ Medical Genetics Center
Classification: Likely pathogenic for Methylmalonic aciduria due to methylmalonyl-CoA mutase deficiency. Last evaluated: 2022-08-11. Review status: criteria provided, single submitter. Criteria: ACMG Guidelines, 2015. Collection method: clinical testing. Allele origin: germline. Affected: yes. Observed: 1 variant allele.
Comment: ACMG criteria applied: PVS1, PM2_SUP

Women's Health and Genetics/Laboratory Corporation of America, LabCorp
Classification: Pathogenic for Methylmalonic acidemia. Last evaluated: 2020-11-02. Review status: criteria provided, single submitter. Criteria: LabCorp Variant Classification Summary - May 2015. Collection method: clinical testing. Allele origin: germline.
Comment: Variant summary: MUT c.1677-1G>C is located in a canonical splice-site and is predicted to affect mRNA splicing resulting in a significantly altered protein due to either exon skipping, shortening, or inclusion of intronic material. Several computational tools predict a significant impact on normal splicing: Four predict the variant abolishes a 3 acceptor site with three of them also predicting it creates a new cryptic exonic 3acceptor site. However, these predictions have yet to be confirmed by functional studies. The variant was absent in 251050 control chromosomes (gnomAD). c.1677-1G>C has been reported in the literature in multiple individuals affected with Methylmalonic Acidemia (e.g. Acquaviva_2005, Worgan_2006, Forny_2016). These data indicate that the variant is very likely to be associated with disease. A ClinVar submitter (evaluation after 2014) cites the variant as pathogenic. Based on the evidence outlined above, the variant was classified as pathogenic.

Counsyl
Classification: Pathogenic for Methylmalonic aciduria due to methylmalonyl-CoA mutase deficiency. Last evaluated: 2018-03-01. Review status: no assertion criteria provided. Collection method: clinical testing. Allele origin: unknown. Not counted in ClinVar's aggregate classification.

Literature cited by the submitters: PubMed 16199547 (cited by Labcorp Genetics (formerly Invitae), Labcorp); PubMed 15781192 (cited by Labcorp Genetics (formerly Invitae), Labcorp); PubMed 15643616 (cited by Labcorp Genetics (formerly Invitae), Labcorp and Women's Health and Genetics/Laboratory Corporation of America, LabCorp); PubMed 16281286 (cited by Women's Health and Genetics/Laboratory Corporation of America, LabCorp); PubMed 27167370 (cited by Women's Health and Genetics/Laboratory Corporation of America, LabCorp); PubMed 25525159 (cited by Counsyl); PubMed 17113806 (cited by Counsyl).

NM_000255.4(MMUT):c.1677-1G>C

Gene: MMUT (methylmalonyl-CoA mutase; minus strand). Cytogenetic location: 6p12.3.
Variant type: single nucleotide variant.
Coding change: c.1677-1G>C on transcript NM_000255.4 (MANE Select); the canonical splice acceptor site of the intron before coding-DNA position 1677, G replaced by C.
Molecular consequence: splice acceptor variant.
Genome position (GRCh38, 1-based): chr6:49,441,972, C>G on the plus strand (G>C on the coding strand, the complement: MMUT is on the minus strand). VCF-style: chr6-49441972-C-G. GRCh37 (hg19) VCF-style: chr6-49409685-C-G.
Identifiers: ClinVar variation 556968 (VCV000556968.11), dbSNP rs754369323, ClinGen allele CA364396196.